The following is an entry in ClinVar:

ClinVar aggregate classification (germline): Uncertain significance (1 of 4 stars; one submission).

Conditions:
Developmental and epileptic encephalopathy, 25 (DEE25). Also called: Epileptic encephalopathy, early infantile, 25; Developmental and epileptic encephalopathy 25, with amelogenesis imperfecta; Epileptic encephalopathy, early infantile, 25, with amelogenesis imperfecta. Identifiers: Orphanet 442835, MedGen C4014621, MONDO:0014392, OMIM 615905.

Allele frequency attached by ClinVar (database versions not stated): gnomAD exomes below 0.00001; TOPMed below 0.00001.

Submission:

Labcorp Genetics (formerly Invitae), Labcorp
Classification: Uncertain significance for Developmental and epileptic encephalopathy, 25. Last evaluated: 2020-02-06. Review status: criteria provided, single submitter. Criteria: Invitae Variant Classification Sherloc (09022015). Collection method: clinical testing. Allele origin: germline.
Comment: This variant has not been reported in the literature in individuals with SLC13A5-related conditions. This variant is not present in population databases (ExAC no frequency). This sequence change replaces proline with serine at codon 407 of the SLC13A5 protein (p.Pro407Ser). The proline residue is highly conserved and there is a moderate physicochemical difference between proline and serine. Algorithms developed to predict the effect of missense changes on protein structure and function (SIFT, PolyPhen-2, Align-GVGD) all suggest that this variant is likely to be disruptive, but these predictions have not been confirmed by published functional studies and their clinical significance is uncertain. In summary, the available evidence is currently insufficient to determine the role of this variant in disease. Therefore, it has been classified as a Variant of Uncertain Significance.

NM_177550.5(SLC13A5):c.1219C>T (p.Pro407Ser)

Gene: SLC13A5 (solute carrier family 13 member 5; minus strand). Cytogenetic location: 17p13.1.
Variant type: single nucleotide variant.
Coding change: c.1219C>T on transcript NM_177550.5 (MANE Select); coding-DNA position 1219, C replaced by T.
Protein change: p.Pro407Ser; replaces proline 407 with serine.
Molecular consequence: missense variant.
Genome position (GRCh38, 1-based): chr17:6,693,100, G>A on the plus strand (C>T on the coding strand, the complement: SLC13A5 is on the minus strand). VCF-style: chr17-6693100-G-A. GRCh37 (hg19) VCF-style: chr17-6596419-G-A.
Other names: c.1219C>T, p.Pro407Ser (NM_001143838.3); c.1168C>T, p.Pro390Ser (NM_001284509.2); c.1090C>T, p.Pro364Ser (NM_001284510.2); short protein forms P364S, P390S, P407S.
Identifiers: ClinVar variation 1051764 (VCV001051764.11), dbSNP rs974605915, ClinGen allele CA287385455.
Genomic context (GRCh38, chr17:6,693,100, plus strand): 5'-TTACCTCGGATCCTTTAGCCAGAGCAAATCCGCCCCCTAGTAGCAGCACGATGCCCCAGG[G>A]CACTTTCTCCTGGGTTACCTTCCAATCCAGCAGGGGAGGGGGATAAAATGGAGTTTTCCT-3'
Protein context (NP_808218.1, residues 397-417): LDWKVTQEKV[Pro407Ser]WGIVLLLGGG